The following is an entry in ClinVar:

ClinVar aggregate classification (germline): Likely benign (0 of 4 stars; one submission).

Conditions:
CELSR2-related disorder. Also called: CELSR2-related condition.

Allele frequency attached by ClinVar (database versions not stated): ExAC 0.00007; gnomAD 0.00007; gnomAD exomes 0.00009; TOPMed 0.00011; ESP Exome Variant Server 0.00015.
gnomAD v4.1: 139 of 1,614,070 alleles (0.0086%); highest among the groups gnomAD compares: Middle Eastern, 0.049%; no homozygotes.

Submission:

PreventionGenetics, part of Exact Sciences
Classification: Likely benign for CELSR2-related condition. Last evaluated: 2019-09-13. Review status: no assertion criteria provided. Collection method: clinical testing. Allele origin: germline.
Comment: This variant is classified as likely benign based on ACMG/AMP sequence variant interpretation guidelines (Richards et al. 2015 PMID: 25741868, with internal and published modifications).

NM_001408.3(CELSR2):c.5508G>A (p.Pro1836=)

Gene: CELSR2 (cadherin EGF LAG seven-pass G-type receptor 2; plus strand). Cytogenetic location: 1p13.3.
Variant type: single nucleotide variant.
Coding change: c.5508G>A on transcript NM_001408.3 (MANE Select); coding-DNA position 5508, G replaced by A.
Protein change: p.Pro1836=; no amino-acid change (proline 1836 retained).
Molecular consequence: synonymous variant.
Genome position (GRCh38, 1-based): chr1:109,264,911, G>A. VCF-style: chr1-109264911-G-A. GRCh37 (hg19) VCF-style: chr1-109807533-G-A.
Identifiers: ClinVar variation 3040958 (VCV003040958.2), dbSNP rs368138606, ClinGen allele CA987577.
Genomic context (GRCh38, chr1:109,264,911, plus strand): 5'-GGTCCTTCTGGTCCCAGGTTACTATGGTGACAACTGTACTAATGTGTGTGACCTGAACCC[G>A]TGTGAGCACCAGTCTGTGTGTACCCGCAAGCCCAGTGCCCCCCATGGCTATACCTGCGAG-3'
Protein context (NP_001399.1, residues 1826-1846): DNCTNVCDLN[Pro1836=]CEHQSVCTRK